The following is an entry in ClinVar:

ClinVar aggregate classification (germline): Conflicting classifications of pathogenicity. Review status: criteria provided, conflicting classifications (1 of 4 stars). 4 submissions from 4 submitters: Uncertain significance (3); Likely benign (1). Last evaluated 2025-11-02.

Conditions:
Spinocerebellar ataxia type 14 (SCA14). Identifiers: Orphanet 98763, MedGen C1854369, MONDO:0011540, OMIM 605361.
Inborn genetic diseases. Identifiers: MedGen C0950123, MeSH D030342.

Allele frequency attached by ClinVar (database versions not stated): gnomAD 0.00005 and 0.00006; gnomAD exomes 0.00006 and 0.00011; TOPMed 0.00006; 1000 Genomes Project 30x 0.00016; ExAC 0.00018; 1000 Genomes Project 0.00020.
gnomAD v4.1: 96 of 1,613,862 alleles (0.0059%); highest among the groups gnomAD compares: South Asian, 0.0066%; no homozygotes.

Submissions (4):

Ambry Genetics
Classification: Uncertain significance for Inborn genetic diseases. Last evaluated: 2025-11-02. Review status: criteria provided, single submitter. Criteria: Ambry Variant Classification Scheme 2023. Collection method: clinical testing. Allele origin: germline.

CeGaT Center for Human Genetics Tuebingen
Classification: Uncertain significance. Last evaluated: 2025-03-01. Review status: criteria provided, single submitter. Criteria: CeGaT Center For Human Genetics Tuebingen Variant Classification Criteria Version 2. Collection method: clinical testing. Allele origin: germline. Affected: yes. Observed: 2 variant alleles.

Illumina Laboratory Services, Illumina
Classification: Likely benign for Spinocerebellar ataxia type 14. Last evaluated: 2018-01-12. Review status: criteria provided, single submitter. Criteria: ICSL Variant Classification Criteria 13 December 2019. Collection method: clinical testing. Allele origin: germline.
Comment: This variant was observed in the ICSL laboratory as part of a predisposition screen in an ostensibly healthy population. It had not been previously curated by ICSL or reported in the Human Gene Mutation Database (HGMD: prior to June 1st, 2018), and was therefore a candidate for classification through an automated scoring system. Utilizing variant allele frequency, disease prevalence and penetrance estimates, and inheritance mode, an automated score was calculated to assess if this variant is too frequent to cause the disease. Based on the score and internal cut-off values, a variant classified as likely benign is not then subjected to further curation. The score for this variant resulted in a classification of likely benign for this disease.

Institute of Human Genetics, University Hospital of Duesseldorf
Classification: Uncertain significance for Spinocerebellar ataxia type 14. Review status: criteria provided, single submitter. Criteria: ACMG Guidelines, 2015. Collection method: not provided. Allele origin: germline. Inheritance: Autosomal dominant inheritance. Affected: yes.

NM_002739.5(PRKCG):c.1730C>T (p.Ser577Leu)

Gene: PRKCG (protein kinase C gamma; plus strand). Cytogenetic location: 19q13.42.
Variant type: single nucleotide variant.
Coding change: c.1730C>T on transcript NM_002739.5 (MANE Select); coding-DNA position 1730, C replaced by T.
Protein change: p.Ser577Leu; replaces serine 577 with leucine.
Molecular consequence: missense variant.
Genome position (GRCh38, 1-based): chr19:53,904,708, C>T. VCF-style: chr19-53904708-C-T. GRCh37 (hg19) VCF-style: chr19-54407962-C-T.
Other names: c.1730C>T (LRG_669t1); c.1730C>T, p.Ser577Leu (NM_001316329.2); short protein forms S577L.
Identifiers: ClinVar variation 330067 (VCV000330067.21), dbSNP rs551805527, ClinGen allele CA9640685.